The following is an entry in ClinVar:

ClinVar aggregate classification (germline): Uncertain significance (1 of 4 stars; one submission).

Submission:

GeneDx
Classification: Uncertain significance. Last evaluated: 2026-02-18. Review status: criteria provided, single submitter. Criteria: GeneDx Variant Classification Process June 2021. Collection method: clinical testing. Allele origin: germline.
Comment: Not observed at significant frequency in large population cohorts (gnomAD); In silico analysis is inconclusive as to whether the variant alters gene splicing. In the absence of RNA/functional studies, the actual effect of this sequence change is unknown.; Has not been previously published as pathogenic or benign to our knowledge

NM_015057.5(MYCBP2):c.2381+3A>G

Gene: MYCBP2 (MYC binding protein 2; minus strand). Cytogenetic location: 13q22.3.
Variant type: single nucleotide variant.
Coding change: c.2381+3A>G on transcript NM_015057.5 (MANE Select); 3 bases into the intron after coding-DNA position 2381, A replaced by G.
Molecular consequence: intron variant.
Genome position (GRCh38, 1-based): chr13:77,251,148, T>C on the plus strand (A>G on the coding strand, the complement: MYCBP2 is on the minus strand). VCF-style: chr13-77251148-T-C. GRCh37 (hg19) VCF-style: chr13-77825283-T-C.
Identifiers: ClinVar variation 4891384 (VCV004891384.1).